The following is an entry in ClinVar:

NM_022454.4(SOX17):c.954GCACCA[5] (p.316QH[6])

Gene: SOX17 (SRY-box transcription factor 17; plus strand). Cytogenetic location: 8q11.23.
Variant type: Microsatellite.
Coding change: c.954GCACCA[5] on transcript NM_022454.4 (MANE Select); five copies in a row of the 6-base unit GCACCA starting at c.954; the reference has four copies in a row; one copy, 6 bases duplicated.
Protein change: p.316QH[6].
Molecular consequence: inframe insertion.
Genome position (GRCh38, 1-based): chr8:54,459,722-54,459,727, GCACCA duplicated; duplicating any 6 consecutive bases within chr8:54,459,699-54,459,727 gives the same sequence; the position shown is the placement nearest the transcript's 3' end. VCF-style (leftmost placement, unchanged base first): chr8-54459698-A-ACACCAG. GRCh37 (hg19) VCF-style: chr8-55372258-A-ACACCAG.
Other names: c.948_949insCACCAG (NM_022454.4); c.972_977dup6 (NM_022454.3).
Identifiers: ClinVar variation 915867 (VCV000915867.33), dbSNP rs564144826, ClinGen allele CA4750990.

ClinVar aggregate classification (germline): Conflicting classifications of pathogenicity. Review status: criteria provided, conflicting classifications (1 of 4 stars). 4 submissions from 4 submitters: Uncertain significance (1); Benign (1); Likely benign (1). 1 of the submissions does not count toward it. Last evaluated 2026-06-01.

Conditions:
SOX17-related disorder. Also called: SOX17-related condition.
Chronic kidney disease. Identifiers: MedGen C1561643, MONDO:0005300, HP:0012622.

Submissions (4):

CeGaT Center for Human Genetics Tuebingen
Classification: Likely benign. Last evaluated: 2026-06-01. Review status: criteria provided, single submitter. Criteria: CeGaT Center For Human Genetics Tuebingen Variant Classification Criteria Version 2. Collection method: clinical testing. Allele origin: germline. Affected: yes. Observed: 11 variant alleles.
Comment: SOX17: PM4, BS1, BS2

Labcorp Genetics (formerly Invitae), Labcorp
Classification: Benign. Last evaluated: 2026-02-01. Review status: criteria provided, single submitter. Criteria: Invitae Variant Classification Sherloc (09022015). Collection method: clinical testing. Allele origin: germline.

Cavalleri Lab, Royal College of Surgeons in Ireland
Classification: Uncertain significance for Chronic kidney disease. Last evaluated: 2020-05-28. Review status: criteria provided, single submitter. Criteria: ACMG Guidelines, 2015. Collection method: research. Allele origin: unknown. Inheritance: Autosomal dominant inheritance. Affected: yes.
Comment: PM4, BS1

PreventionGenetics, part of Exact Sciences
Classification: Benign for SOX17-related condition. Last evaluated: 2021-02-23. Review status: no assertion criteria provided. Collection method: clinical testing. Allele origin: germline. Not counted in ClinVar's aggregate classification.
Comment: This variant is classified as benign based on ACMG/AMP sequence variant interpretation guidelines (Richards et al. 2015 PMID: 25741868, with internal and published modifications).